The following is an entry in ClinVar:

ClinVar aggregate classification (germline): Conflicting classifications of pathogenicity. Review status: criteria provided, conflicting classifications (1 of 4 stars). 2 submissions from 2 submitters: Uncertain significance (1); Likely benign (1). Last evaluated 2025-08-22.

Conditions:
Hereditary cancer-predisposing syndrome. Also called: Hereditary neoplastic syndrome; Tumor predisposition; Neoplastic Syndromes, Hereditary; Hereditary Cancer Syndrome. Identifiers: Orphanet 140162, MedGen C0027672, MeSH D009386, MONDO:0015356.
Hereditary nonpolyposis colorectal neoplasms. Identifiers: MedGen C0009405, MeSH D003123.

Submissions (2):

Ambry Genetics
Classification: Likely benign for Hereditary cancer-predisposing syndrome. Last evaluated: 2025-08-22. Review status: criteria provided, single submitter. Criteria: Ambry Variant Classification Scheme 2023. Collection method: clinical testing. Allele origin: germline.

Labcorp Genetics (formerly Invitae), Labcorp
Classification: Uncertain significance for Hereditary nonpolyposis colorectal neoplasms. Last evaluated: 2023-10-18. Review status: criteria provided, single submitter. Criteria: Invitae Variant Classification Sherloc (09022015). Collection method: clinical testing. Allele origin: germline.
Comment: This sequence change replaces aspartic acid, which is acidic and polar, with asparagine, which is neutral and polar, at codon 619 of the PMS2 protein (p.Asp619Asn). This variant is not present in population databases (gnomAD no frequency). This variant has not been reported in the literature in individuals affected with PMS2-related conditions. ClinVar contains an entry for this variant (Variation ID: 1348143). Advanced modeling of protein sequence and biophysical properties (such as structural, functional, and spatial information, amino acid conservation, physicochemical variation, residue mobility, and thermodynamic stability) performed at Invitae indicates that this missense variant is not expected to disrupt PMS2 protein function. In summary, the available evidence is currently insufficient to determine the role of this variant in disease. Therefore, it has been classified as a Variant of Uncertain Significance.

NM_000535.7(PMS2):c.1855G>A (p.Asp619Asn)

Gene: PMS2 (PMS1 homolog 2, mismatch repair system component; minus strand). Cytogenetic location: 7p22.1.
Variant type: single nucleotide variant.
Coding change: c.1855G>A on transcript NM_000535.7 (MANE Select); coding-DNA position 1855, G replaced by A.
Protein change: p.Asp619Asn; replaces aspartic acid 619 with asparagine.
Molecular consequence: missense variant. On other transcripts: non-coding transcript variant (1).
Genome position (GRCh38, 1-based): chr7:5,986,910, C>T on the plus strand (G>A on the coding strand, the complement: PMS2 is on the minus strand). VCF-style: chr7-5986910-C-T. GRCh37 (hg19) VCF-style: chr7-6026541-C-T.
Other names: c.1450G>A, p.Asp484Asn (NM_001322003.2, NM_001322004.2, NM_001322005.2 and 1 more transcripts); c.1699G>A, p.Asp567Asn (NM_001322006.2); c.1537G>A, p.Asp513Asn (NM_001322007.2, NM_001322008.2); c.1294G>A, p.Asp432Asn (NM_001322010.2); c.922G>A, p.Asp308Asn (NM_001322011.2, NM_001322012.2); c.1282G>A, p.Asp428Asn (NM_001322013.2); c.1855G>A, p.Asp619Asn (NM_001322014.2); c.1546G>A, p.Asp516Asn (NM_001322015.2); short protein forms D428N, D567N, D432N, D484N, D516N, D619N, D308N, D513N.
Identifiers: ClinVar variation 1348143 (VCV001348143.9), dbSNP rs1179605136, ClinGen allele CA366739577.